The following is an entry in ClinVar:

ClinVar aggregate classification (germline): Uncertain significance (1 of 4 stars; one submission).

Submission:

Labcorp Genetics (formerly Invitae), Labcorp
Classification: Uncertain significance. Last evaluated: 2021-07-09. Review status: criteria provided, single submitter. Criteria: Invitae Variant Classification Sherloc (09022015). Collection method: clinical testing. Allele origin: germline.
Comment: In summary, the available evidence is currently insufficient to determine the role of this variant in disease. Therefore, it has been classified as a Variant of Uncertain Significance. Algorithms developed to predict the effect of missense changes on protein structure and function are either unavailable or do not agree on the potential impact of this missense change (SIFT: "Deleterious"; PolyPhen-2: "Not Available"; Align-GVGD: "Class C35"). This variant has not been reported in the literature in individuals affected with SRCAP-related conditions. This variant is not present in population databases (ExAC no frequency). This sequence change replaces glutamic acid with aspartic acid at codon 112 of the SRCAP protein (p.Glu112Asp). The glutamic acid residue is highly conserved and there is a small physicochemical difference between glutamic acid and aspartic acid.

NM_006662.3(SRCAP):c.336G>C (p.Glu112Asp)

Gene: SRCAP (Snf2 related CREBBP activator protein; plus strand). Cytogenetic location: 16p11.2.
Variant type: single nucleotide variant.
Coding change: c.336G>C on transcript NM_006662.3 (MANE Select); coding-DNA position 336, G replaced by C.
Protein change: p.Glu112Asp; replaces glutamic acid 112 with aspartic acid.
Molecular consequence: missense variant.
Genome position (GRCh38, 1-based): chr16:30,707,212, G>C. VCF-style: chr16-30707212-G-C. GRCh37 (hg19) VCF-style: chr16-30718533-G-C.
Other names: short protein forms E112D.
Identifiers: ClinVar variation 1504385 (VCV001504385.8), dbSNP rs2151286221, ClinGen allele CA395598736.